The following is an entry in ClinVar:

NM_001270.4(CHD1):c.2006A>T (p.Glu669Val)

Gene: CHD1 (chromodomain helicase DNA binding protein 1; minus strand). Cytogenetic location: 5q15.
Variant type: single nucleotide variant.
Coding change: c.2006A>T on transcript NM_001270.4 (MANE Select); coding-DNA position 2006, A replaced by T.
Protein change: p.Glu669Val; replaces glutamic acid 669 with valine.
Molecular consequence: missense variant. On other transcripts: non-coding transcript variant (2).
Genome position (GRCh38, 1-based): chr5:98,892,699, T>A on the plus strand (A>T on the coding strand, the complement: CHD1 is on the minus strand). VCF-style: chr5-98892699-T-A. GRCh37 (hg19) VCF-style: chr5-98228403-T-A.
Other names: NC_000005.9:g.98228403T>A; c.2006A>T, p.Glu669Val (NM_001364113.3, NM_001376194.2); short protein forms E669V.
Identifiers: ClinVar variation 782996 (VCV000782996.30), dbSNP rs61759467, ClinGen allele CA3356245.

ClinVar aggregate classification (germline): Benign/Likely benign. Review status: criteria provided, multiple submitters, no conflicts (2 of 4 stars). 2 submissions from 2 submitters: Benign (1); Likely benign (1). Last evaluated 2026-09-01.

Allele frequency attached by ClinVar (database versions not stated): 1000 Genomes Project 0.00260; 1000 Genomes Project 30x 0.00328; TOPMed 0.00790; gnomAD 0.00830 and 0.00855; ESP Exome Variant Server 0.00931.
gnomAD v4.1: 18,181 of 1,591,008 alleles (1.1%); highest among the groups gnomAD compares: Non-Finnish European, 1.4%; 114 homozygotes.

Submissions (24):

CeGaT Center for Human Genetics Tuebingen
Classification: Likely benign. Last evaluated: 2026-09-01. Review status: criteria provided, single submitter. Criteria: CeGaT Center For Human Genetics Tuebingen Variant Classification Criteria Version 2. Collection method: clinical testing. Allele origin: germline. Affected: yes. Observed: 52 variant alleles.
Comment: CHD1: PP2, PP3, BS1, BS2

Labcorp Genetics (formerly Invitae), Labcorp
Classification: Benign. Last evaluated: 2019-12-31. Review status: criteria provided, single submitter. Criteria: Invitae Variant Classification Sherloc (09022015). Collection method: clinical testing. Allele origin: germline.

Dr. Peter K. Rogan Lab, Western University
No classification provided (evidence only). Condition: Clear cell carcinoma of kidney. Review status: no classification provided. Collection method: in vitro. Allele origin: not applicable. Functional consequence: retained intron. Not counted in ClinVar's aggregate classification.

Dr. Peter K. Rogan Lab, Western University
No classification provided (evidence only). Condition: Clear cell carcinoma of kidney. Review status: no classification provided. Collection method: in vitro. Allele origin: not applicable. Functional consequence: retained intron. Not counted in ClinVar's aggregate classification.

Dr. Peter K. Rogan Lab, Western University
No classification provided (evidence only). Condition: Melanoma. Review status: no classification provided. Collection method: in vitro. Allele origin: not applicable. Functional consequence: retained intron. Not counted in ClinVar's aggregate classification.

Dr. Peter K. Rogan Lab, Western University
No classification provided (evidence only). Condition: Melanoma. Review status: no classification provided. Collection method: in vitro. Allele origin: not applicable. Functional consequence: cryptic splice site, retained intron. Not counted in ClinVar's aggregate classification.

Dr. Peter K. Rogan Lab, Western University
No classification provided (evidence only). Condition: Acute myeloid leukemia. Review status: no classification provided. Collection method: in vitro. Allele origin: not applicable. Functional consequence: retained intron. Not counted in ClinVar's aggregate classification.

Dr. Peter K. Rogan Lab, Western University
No classification provided (evidence only). Condition: Acute myeloid leukemia. Review status: no classification provided. Collection method: in vitro. Allele origin: not applicable. Functional consequence: retained intron. Not counted in ClinVar's aggregate classification.

Dr. Peter K. Rogan Lab, Western University
No classification provided (evidence only). Condition: Acute myeloid leukemia. Review status: no classification provided. Collection method: in vitro. Allele origin: not applicable. Functional consequence: retained intron. Not counted in ClinVar's aggregate classification.

Dr. Peter K. Rogan Lab, Western University
No classification provided (evidence only). Condition: Acute myeloid leukemia. Review status: no classification provided. Collection method: in vitro. Allele origin: not applicable. Functional consequence: retained intron. Not counted in ClinVar's aggregate classification.

Dr. Peter K. Rogan Lab, Western University
No classification provided (evidence only). Condition: Acute myeloid leukemia. Review status: no classification provided. Collection method: in vitro. Allele origin: not applicable. Functional consequence: retained intron. Not counted in ClinVar's aggregate classification.

Dr. Peter K. Rogan Lab, Western University
No classification provided (evidence only). Condition: Acute myeloid leukemia. Review status: no classification provided. Collection method: in vitro. Allele origin: not applicable. Functional consequence: retained intron. Not counted in ClinVar's aggregate classification.

Dr. Peter K. Rogan Lab, Western University
No classification provided (evidence only). Condition: Thyroid cancer, nonmedullary, 1. Review status: no classification provided. Collection method: in vitro. Allele origin: not applicable. Functional consequence: retained intron. Not counted in ClinVar's aggregate classification.

Dr. Peter K. Rogan Lab, Western University
No classification provided (evidence only). Condition: Thyroid cancer, nonmedullary, 1. Review status: no classification provided. Collection method: in vitro. Allele origin: not applicable. Functional consequence: cryptic splice site, retained intron. Not counted in ClinVar's aggregate classification.

Dr. Peter K. Rogan Lab, Western University
No classification provided (evidence only). Condition: Thyroid cancer, nonmedullary, 1. Review status: no classification provided. Collection method: in vitro. Allele origin: not applicable. Functional consequence: retained intron. Not counted in ClinVar's aggregate classification.

Dr. Peter K. Rogan Lab, Western University
No classification provided (evidence only). Condition: Cervical cancer. Review status: no classification provided. Collection method: in vitro. Allele origin: not applicable. Functional consequence: retained intron. Not counted in ClinVar's aggregate classification.

Dr. Peter K. Rogan Lab, Western University
No classification provided (evidence only). Condition: Sarcoma. Review status: no classification provided. Collection method: in vitro. Allele origin: not applicable. Functional consequence: retained intron. Not counted in ClinVar's aggregate classification.

Dr. Peter K. Rogan Lab, Western University
No classification provided (evidence only). Condition: Sarcoma. Review status: no classification provided. Collection method: in vitro. Allele origin: not applicable. Functional consequence: retained intron. Not counted in ClinVar's aggregate classification.

Dr. Peter K. Rogan Lab, Western University
No classification provided (evidence only). Condition: Hepatocellular carcinoma. Review status: no classification provided. Collection method: in vitro. Allele origin: not applicable. Functional consequence: retained intron. Not counted in ClinVar's aggregate classification.

Dr. Peter K. Rogan Lab, Western University
No classification provided (evidence only). Condition: Nonpapillary renal cell carcinoma. Review status: no classification provided. Collection method: in vitro. Allele origin: not applicable. Functional consequence: retained intron. Not counted in ClinVar's aggregate classification.

Dr. Peter K. Rogan Lab, Western University
No classification provided (evidence only). Condition: Gastric cancer. Review status: no classification provided. Collection method: in vitro. Allele origin: not applicable. Functional consequence: retained intron. Not counted in ClinVar's aggregate classification.

Dr. Peter K. Rogan Lab, Western University
No classification provided (evidence only). Condition: Gastric cancer. Review status: no classification provided. Collection method: in vitro. Allele origin: not applicable. Functional consequence: retained intron. Not counted in ClinVar's aggregate classification.

Dr. Peter K. Rogan Lab, Western University
No classification provided (evidence only). Condition: Gastric cancer. Review status: no classification provided. Collection method: in vitro. Allele origin: not applicable. Functional consequence: retained intron. Not counted in ClinVar's aggregate classification.

Dr. Peter K. Rogan Lab, Western University
No classification provided (evidence only). Condition: Gastric cancer. Review status: no classification provided. Collection method: in vitro. Allele origin: not applicable. Functional consequence: retained intron. Not counted in ClinVar's aggregate classification.